The following is an entry in ClinVar:

NM_003742.4(ABCB11):c.572A>C (p.Asp191Ala)

Gene: ABCB11 (ATP binding cassette subfamily B member 11; minus strand). Cytogenetic location: 2q31.1.
Variant type: single nucleotide variant.
Coding change: c.572A>C on transcript NM_003742.4 (MANE Select); coding-DNA position 572, A replaced by C.
Protein change: p.Asp191Ala; replaces aspartic acid 191 with alanine.
Molecular consequence: missense variant.
Genome position (GRCh38, 1-based): chr2:168,995,388, T>G on the plus strand (A>C on the coding strand, the complement: ABCB11 is on the minus strand). VCF-style: chr2-168995388-T-G. GRCh37 (hg19) VCF-style: chr2-169851898-T-G.
Other names: short protein forms D191A.
Identifiers: ClinVar variation 4845965 (VCV004845965.1).
Genomic context (GRCh38, chr2:168,995,388, plus strand): 5'-ACTGTTTTACCAGCTACTTACTCAGAGAATCTTGTATTCAGCTCCCCCACTGAATTGCAG[T>G]CAAACCACCCTATTTCCATTCTCATTATTCTCCTAAAGTAAAATTTTCTCATTTTCTGTA-3'
Protein context (NP_003733.2, residues 181-201): RIMRMEIGWF[Asp191Ala]CNSVGELNTR

ClinVar aggregate classification (germline): Uncertain significance (1 of 4 stars; one submission).

Conditions:
Familial intrahepatic cholestasis. Identifiers: Orphanet 284385, MedGen CN296401, MONDO:0017290.

gnomAD v4.1: 5 of 1,612,528 alleles (0.00031%); highest among the groups gnomAD compares: South Asian, 0.0055%; no homozygotes.

Submission:

Genomenon, Inc
Classification: Uncertain significance for Familial intrahepatic cholestasis. Last evaluated: 2026-04-14. Review status: criteria provided, single submitter. Criteria: Genomenon Sequence Variant Interpretation Standards - Updated. Collection method: curation. Allele origin: germline. Affected: no.
Comment: ABCB11 p.Asp191Ala (c.572A>C) is a missense variant that changes the amino acid at residue 191 from Aspartic acid to Alanine. This variant has been reported in the published literature (PMID:37208429). It is absent or not present at a significant frequency in gnomAD. In silico models predict that this variant is possibly or probably damaging. In conclusion, we classify ABCB11 p.Asp191Ala (c.572A>C) as a variant of uncertain significance.

Literature cited by the submitters: PubMed 37208429.